The following is an entry in ClinVar:

NM_153700.2(STRC):c.4279A>G (p.Ser1427Gly)

Gene: STRC (stereocilin; minus strand). Cytogenetic location: 15q15.3.
Variant type: single nucleotide variant.
Coding change: c.4279A>G on transcript NM_153700.2 (MANE Select); coding-DNA position 4279, A replaced by G.
Protein change: p.Ser1427Gly; replaces serine 1427 with glycine.
Molecular consequence: missense variant.
Genome position (GRCh38, 1-based): chr15:43,604,092, T>C on the plus strand (A>G on the coding strand, the complement: STRC is on the minus strand). VCF-style: chr15-43604092-T-C. GRCh37 (hg19) VCF-style: chr15-43896290-T-C.
Other names: short protein forms S1427G.
Identifiers: ClinVar variation 667328 (VCV000667328.4), dbSNP rs760961629, ClinGen allele CA7528087.
Genomic context (GRCh38, chr15:43,604,092, plus strand): 5'-CTACCAGGGCTGCTTTCTTGGCAGCAAGCTGTGGCTCCCTACACAGCTGTCCAACTCTGC[T>C]CTGCTCCCAGCTCTGCTGCTTTTCTAGAAGCCGCTCCAGGGTCTCTGGACCCAAGGCCTC-3'
Protein context (NP_714544.1, residues 1417-1437): LLEKQQSWEQ[Ser1427Gly]RVGQLCREPQ

ClinVar aggregate classification (germline): Uncertain significance (1 of 4 stars; one submission).

Allele frequency attached by ClinVar (database versions not stated): gnomAD exomes 0.00001; TOPMed 0.00002; ExAC 0.00002.
gnomAD v4.1: 4 of 1,613,136 alleles (0.00025%); highest among the groups gnomAD compares: Admixed American, 0.0017%; 1 homozygote.

Submission:

Laboratory for Molecular Medicine, Mass General Brigham Personalized Medicine
Classification: Uncertain significance. Last evaluated: 2018-06-29. Review status: criteria provided, single submitter. Criteria: LMM Criteria. Collection method: clinical testing. Allele origin: germline. Observed: 1 variant allele.
Comment: The p.Ser1427Gly variant in STRC has not been previously reported in individuals with hearing loss but has been identified in 2/110960 European chromosomes by t he Genome Aggregation Database (gnomAD; dbSNP rs760961629). Computational prediction tools and conservation analysis suggest t hat the p.Ser1427Gly variant may impact the protein, though this information is not predictive enough to determine pathogenicity. In summary, the clinical signi ficance of the p.Ser1427Gly variant is uncertain. ACMG/AMP Criteria applied: PP3 , PM2.